The following is an entry in ClinVar:

ClinVar aggregate classification (germline): Uncertain significance (1 of 4 stars; one submission).

Conditions:
Combined oxidative phosphorylation defect type 17. Also called: Combined oxidative phosphorylation deficiency 17. Identifiers: Orphanet 369913, MedGen C3809526, MONDO:0014190, OMIM 615440.

Allele frequency attached by ClinVar (database versions not stated): gnomAD exomes below 0.00001.
gnomAD v4.1: 2 of 1,547,652 alleles (0.00013%); highest among the groups gnomAD compares: Non-Finnish European, 0.00017%; no homozygotes.

Submission:

Labcorp Genetics (formerly Invitae), Labcorp
Classification: Uncertain significance for Combined oxidative phosphorylation defect type 17. Last evaluated: 2022-03-22. Review status: criteria provided, single submitter. Criteria: Invitae Variant Classification Sherloc (09022015). Collection method: clinical testing. Allele origin: germline.
Comment: In summary, the available evidence is currently insufficient to determine the role of this variant in disease. Therefore, it has been classified as a Variant of Uncertain Significance. Algorithms developed to predict the effect of missense changes on protein structure and function output the following: SIFT: "Tolerated"; PolyPhen-2: "Benign"; Align-GVGD: "Class C0". The methionine amino acid residue is found in multiple mammalian species, which suggests that this missense change does not adversely affect protein function. This variant has not been reported in the literature in individuals affected with ELAC2-related conditions. This variant is not present in population databases (gnomAD no frequency). This sequence change replaces isoleucine, which is neutral and non-polar, with methionine, which is neutral and non-polar, at codon 22 of the ELAC2 protein (p.Ile22Met).

NM_018127.7(ELAC2):c.66A>G (p.Ile22Met)

Gene: ELAC2 (elaC ribonuclease Z 2; minus strand). Cytogenetic location: 17p12.
Variant type: single nucleotide variant.
Coding change: c.66A>G on transcript NM_018127.7 (MANE Select); coding-DNA position 66, A replaced by G.
Protein change: p.Ile22Met; replaces isoleucine 22 with methionine.
Molecular consequence: missense variant.
Genome position (GRCh38, 1-based): chr17:13,017,882, T>C on the plus strand (A>G on the coding strand, the complement: ELAC2 is on the minus strand). VCF-style: chr17-13017882-T-C. GRCh37 (hg19) VCF-style: chr17-12921199-T-C.
Other names: c.66A>G, p.Ile22Met (NM_001165962.2, NM_173717.2); short protein forms I22M.
Identifiers: ClinVar variation 1375811 (VCV001375811.8), dbSNP rs2041840491, ClinGen allele CA398219310.